The following is an entry in ClinVar:

ClinVar aggregate classification (germline): Uncertain significance (1 of 4 stars; one submission).

Submission:

GeneDx
Classification: Uncertain significance. Last evaluated: 2024-08-09. Review status: criteria provided, single submitter. Criteria: GeneDx Variant Classification Process June 2021. Collection method: clinical testing. Allele origin: germline. Affected: yes.
Comment: Not observed at significant frequency in large population cohorts (gnomAD); In silico analysis indicates that this variant does not alter protein structure/function; Has not been previously published as pathogenic or benign to our knowledge

NM_000264.5(PTCH1):c.3956_3957delinsTT (p.Arg1319Leu)

Gene: PTCH1 (patched 1; minus strand). Cytogenetic location: 9q22.32.
Variant type: Indel.
Coding change: c.3956_3957delinsTT on transcript NM_000264.5 (MANE Select); coding-DNA positions 3956 to 3957, GC replaced by TT.
Protein change: p.Arg1319Leu; replaces arginine 1319 with leucine.
Molecular consequence: missense variant. On other transcripts: non-coding transcript variant (1).
Genome position (GRCh38, 1-based): chr9:95,447,299-95,447,300, GC replaced by AA on the plus strand (GC replaced by TT on the coding strand, the reverse complement: PTCH1 is on the minus strand). VCF-style: chr9-95447299-GC-AA. GRCh37 (hg19) VCF-style: chr9-98209581-GC-AA.
Other names: c.3956_3957delGCinsTT, p.Arg1319Leu (NM_000264.3); c.3758_3759delinsTT, p.Arg1253Leu (NM_001083602.3); c.3953_3954delinsTT, p.Arg1318Leu (NM_001083603.3); c.3503_3504delinsTT, p.Arg1168Leu (NM_001083604.3, NM_001083605.3, NM_001083606.3 and 1 more transcripts); c.3800_3801delinsTT, p.Arg1267Leu (NM_001354918.2); short protein forms R1168L, R1253L, R1267L, R1318L, R1319L.
Identifiers: ClinVar variation 1712070 (VCV001712070.3), dbSNP rs2538000983, ClinGen allele CA2580080731.
Genomic context (GRCh38, chr9:95,447,299, plus strand): 5'-CCAGCGGGCCCTATTGCTAGGGCCAGAATGCCCTTCAGTAGAAATTTCAAAAGCGTCTCT[GC>AA]GCGGTCTGTAGGGGGGTGGCCACAAGCCTTCTCTGGGGGGGTCCCTGCGGGGCTGCTGGC-3'
Protein context (NP_000255.2, residues 1309-1329): EGLWPPPYRP[Arg1319Leu]RDAFEISTEG